The following is an entry in ClinVar:

NM_004970.3(IGFALS):c.129C>T (p.Ala43=)

Gene: IGFALS (insulin like growth factor binding protein acid labile subunit; minus strand). Cytogenetic location: 16p13.3.
Variant type: single nucleotide variant.
Coding change: c.129C>T on transcript NM_004970.3 (MANE Select); coding-DNA position 129, C replaced by T.
Protein change: p.Ala43=; no amino-acid change (alanine 43 retained).
Molecular consequence: synonymous variant. On other transcripts: non-coding transcript variant (1).
Genome position (GRCh38, 1-based): chr16:1,792,289, G>A on the plus strand (C>T on the coding strand, the complement: IGFALS is on the minus strand). VCF-style: chr16-1792289-G-A. GRCh37 (hg19) VCF-style: chr16-1842290-G-A.
Other names: c.243C>T, p.Ala81= (NM_001146006.2).
Identifiers: ClinVar variation 2645949 (VCV002645949.24), dbSNP rs780619522, ClinGen allele CA7820709.
Genomic context (GRCh38, chr16:1,792,289, plus strand): 5'-CCTGGAGCTGCAGAAGACGCTGAGCTCATCCGCGTCGTCATCGTAGCTGCAGACACAGGC[G>A]GCCGGGCACGCTGGGCCCTCGGCTTCCCCCGGCGTTCCGGGGTCTGCTCCCTCCAGGCTG-3'
Protein context (NP_004961.1, residues 33-53): PGEAEGPACP[Ala43=]ACVCSYDDDA

ClinVar aggregate classification (germline): Likely benign (1 of 4 stars; one submission).

Allele frequency attached by ClinVar (database versions not stated): gnomAD 0.00003; TOPMed 0.00004.
gnomAD v4.1: 13 of 1,599,250 alleles (0.00081%); highest among the groups gnomAD compares: African/African-American, 0.0013%; no homozygotes.

Submission:

CeGaT Center for Human Genetics Tuebingen
Classification: Likely benign. Last evaluated: 2023-03-01. Review status: criteria provided, single submitter. Criteria: CeGaT Center For Human Genetics Tuebingen Variant Classification Criteria Version 2. Collection method: clinical testing. Allele origin: germline. Affected: yes. Observed: 1 variant allele.
Comment: IGFALS: BP4, BP7